The following is an entry in ClinVar:

ClinVar aggregate classification (germline): Likely benign. Review status: criteria provided, multiple submitters, no conflicts (2 of 4 stars). 3 submissions from 3 submitters: Likely benign (2). 1 of the submissions does not count toward it. Last evaluated 2025-07-13.

Conditions:
COL11A1-related disorder. Also called: COL11A1-related disorders; COL11A1-related condition.

Allele frequency attached by ClinVar (database versions not stated): gnomAD exomes 0.00001; TOPMed 0.00002; gnomAD 0.00001; ExAC 0.00002.
gnomAD v4.1: 6 of 1,613,494 alleles (0.00037%); highest among the groups gnomAD compares: Non-Finnish European, 0.00042%; no homozygotes.

Submissions (3):

Labcorp Genetics (formerly Invitae), Labcorp
Classification: Likely benign. Last evaluated: 2025-07-13. Review status: criteria provided, single submitter. Criteria: Invitae Variant Classification Sherloc (09022015). Collection method: clinical testing. Allele origin: germline.

Women's Health and Genetics/Laboratory Corporation of America, LabCorp
Classification: Likely benign. Last evaluated: 2025-04-30. Review status: criteria provided, single submitter. Criteria: LabCorp Variant Classification Summary - May 2015. Collection method: clinical testing. Allele origin: germline.

PreventionGenetics, part of Exact Sciences
Classification: Likely benign for COL11A1-related condition. Last evaluated: 2022-02-04. Review status: no assertion criteria provided. Collection method: clinical testing. Allele origin: germline. Not counted in ClinVar's aggregate classification.
Comment: This variant is classified as likely benign based on ACMG/AMP sequence variant interpretation guidelines (Richards et al. 2015 PMID: 25741868, with internal and published modifications).

NM_001854.4(COL11A1):c.4609-8C>A

Gene: COL11A1 (collagen type XI alpha 1 chain; minus strand). Cytogenetic location: 1p21.1.
Variant type: single nucleotide variant.
Coding change: c.4609-8C>A on transcript NM_001854.4 (MANE Select); 8 bases into the intron before coding-DNA position 4609, C replaced by A.
Molecular consequence: intron variant.
Genome position (GRCh38, 1-based): chr1:102,887,064, G>T on the plus strand (C>A on the coding strand, the complement: COL11A1 is on the minus strand). VCF-style: chr1-102887064-G-T. GRCh37 (hg19) VCF-style: chr1-103352620-G-T.
Other names: c.4609-8C>A (NM_001854.3); c.4492-8C>A (NM_001190709.2); c.4645-8C>A (NM_080629.3); c.4261-8C>A (NM_080630.4).
Identifiers: ClinVar variation 1540103 (VCV001540103.13), dbSNP rs777390779, ClinGen allele CA973456.
Genomic context (GRCh38, chr1:102,887,064, plus strand): 5'-GTTTTTTTGGAGGACAAGATTGGTAAAGGCTGAATGACTTCACCAGGTGGACCCTGTAAA[G>T]AAGATAATGTGAGTGCAATTGTTTCATAAAGTGGAATATTCTGCAGATATTAATTATTAC-3'